The following is an entry in ClinVar:

ClinVar aggregate classification (germline): Likely benign. Review status: criteria provided, multiple submitters, no conflicts (2 of 4 stars). 2 submissions from 2 submitters: Likely benign (2). Last evaluated 2020-07-23.

gnomAD v4.1: 2 of 1,611,874 alleles (0.00012%); highest among the groups gnomAD compares: African/African-American, 0.0013%; no homozygotes.

Submissions (2):

Labcorp Genetics (formerly Invitae), Labcorp
Classification: Likely benign. Last evaluated: 2020-07-23. Review status: criteria provided, single submitter. Criteria: Invitae Variant Classification Sherloc (09022015). Collection method: clinical testing. Allele origin: germline.

GeneDx
Classification: Likely benign. Last evaluated: 2017-02-15. Review status: criteria provided, single submitter. Criteria: GeneDx Variant Classification (06012015). Collection method: clinical testing. Allele origin: germline. Affected: yes.
Comment: This variant is considered likely benign or benign based on one or more of the following criteria: it is a conservative change, it occurs at a poorly conserved position in the protein, it is predicted to be benign by multiple in silico algorithms, and/or has population frequency not consistent with disease.

NM_025215.6(PUS1):c.1233C>A (p.Ala411=)

Gene: PUS1 (pseudouridine synthase 1; plus strand). Cytogenetic location: 12q24.33.
Variant type: single nucleotide variant.
Coding change: c.1233C>A on transcript NM_025215.6 (MANE Select); coding-DNA position 1233, C replaced by A.
Protein change: p.Ala411=; no amino-acid change (alanine 411 retained).
Molecular consequence: synonymous variant.
Genome position (GRCh38, 1-based): chr12:131,941,980, C>A. VCF-style: chr12-131941980-C-A. GRCh37 (hg19) VCF-style: chr12-132426525-C-A.
Other names: c.1149C>A, p.Ala383= (NM_001002019.3, NM_001002020.3).
Identifiers: ClinVar variation 507444 (VCV000507444.9), dbSNP rs764150814, ClinGen allele CA482841898.